The following is an entry in ClinVar:

ClinVar aggregate classification (germline): Likely pathogenic (1 of 4 stars; one submission).

Conditions:
Autosomal recessive Alport syndrome (ATS2). Also called: Alport syndrome type 2; COL4A4 Alport Syndrome and Thin Basement Membrane Nephropathy; ALPORT SYNDROME 2, AUTOSOMAL RECESSIVE; COL4A3-Related Nephropathy. Identifiers: Orphanet 63, Orphanet 88919, MedGen C4746745, MONDO:0008762, OMIM 203780.

Submission:

Myriad Genetics, Inc.
Classification: Likely pathogenic for Autosomal recessive Alport syndrome. Last evaluated: 2022-01-02. Review status: criteria provided, single submitter. Criteria: Myriad Women's Health Autosomal Recessive and X-Linked Classification Criteria (2021). Collection method: clinical testing. Allele origin: unknown.
Comment: NM_000092.4(COL4A4):c.487dupC(L163Pfs*21) is expected to be pathogenic in the context of COL4A4-related Alport syndrome. This variant is predicted to lead to an abnormal or absent protein product due to the creation of a premature termination codon in COL4A4, a gene where loss-of-function variants are known to be pathogenic. Please note: this variant was assessed in the context of healthy population screening.

NM_000092.5(COL4A4):c.487dup (p.Leu163fs)

Gene: COL4A4 (collagen type IV alpha 4 chain; minus strand). Cytogenetic location: 2q36.3.
Variant type: Duplication.
Coding change: c.487dup on transcript NM_000092.5 (MANE Select); coding-DNA position 487, one base duplicated (C; older notation c.487dupC).
Protein change: p.Leu163fs; shifts the reading frame from leucine 163.
Molecular consequence: frameshift variant.
Genome position (GRCh38, 1-based): chr2:227,118,647, G duplicated on the plus strand (C on the coding strand, the reverse complement: COL4A4 is on the minus strand); the first of 5 consecutive G bases (chr2:227,118,647-227,118,651); duplicating any one gives the same sequence. VCF-style (leftmost placement, unchanged base first): chr2-227118646-A-AG. GRCh37 (hg19) VCF-style: chr2-227983362-A-AG.
Other names: short protein forms L163fs.
Identifiers: ClinVar variation 1726775 (VCV001726775.2), dbSNP rs2476136983, ClinGen allele CA913089984.